The following is an entry in ClinVar:

ClinVar aggregate classification (germline): Likely benign. Review status: criteria provided, multiple submitters, no conflicts (2 of 4 stars). 2 submissions from 2 submitters: Likely benign (2). Last evaluated 2023-12-06.

Conditions:
Hereditary nonpolyposis colorectal neoplasms. Identifiers: MedGen C0009405, MeSH D003123.

Submissions (2):

Labcorp Genetics (formerly Invitae), Labcorp
Classification: Likely benign for Hereditary nonpolyposis colorectal neoplasms. Last evaluated: 2023-12-06. Review status: criteria provided, single submitter. Criteria: Invitae Variant Classification Sherloc (09022015). Collection method: clinical testing. Allele origin: germline.

CeGaT Center for Human Genetics Tuebingen
Classification: Likely benign. Last evaluated: 2023-11-01. Review status: criteria provided, single submitter. Criteria: CeGaT Center For Human Genetics Tuebingen Variant Classification Criteria Version 2. Collection method: clinical testing. Allele origin: germline. Affected: yes. Observed: 1 variant allele.
Comment: MSH6: PM2:Supporting, BP4, BP7

NM_000179.3(MSH6):c.369A>G (p.Lys123=)

Gene: MSH6 (mutS homolog 6; plus strand). Cytogenetic location: 2p16.3.
Variant type: single nucleotide variant.
Coding change: c.369A>G on transcript NM_000179.3 (MANE Select); coding-DNA position 369, A replaced by G.
Protein change: p.Lys123=; no amino-acid change (lysine 123 retained).
Molecular consequence: synonymous variant. On other transcripts: 5 prime UTR variant (7), non-coding transcript variant (5), intron variant (6).
Genome position (GRCh38, 1-based): chr2:47,791,035, A>G. VCF-style: chr2-47791035-A-G. GRCh37 (hg19) VCF-style: chr2-48018174-A-G.
Other names: c.-368A>G (NM_001281493.2, NM_001406811.1, NM_001406823.1 and 1 more transcripts); c.-534A>G (NM_001281494.2); c.465A>G, p.Lys155= (NM_001406795.1, NM_001406802.1); c.369A>G, p.Lys123= (NM_001406796.1, NM_001406798.1, NM_001406800.1 and 6 more transcripts); c.72A>G, p.Lys24= (NM_001406797.1, NM_001406801.1, NM_001406805.1 and 10 more transcripts); c.291A>G, p.Lys97= (NM_001406804.1); c.-560A>G (NM_001406807.1); c.-626A>G (NM_001406814.1); and 6 more.
Identifiers: ClinVar variation 2672812 (VCV002672812.26), dbSNP rs587782106, ClinGen allele CA425989392.